The following is an entry in ClinVar:

ClinVar aggregate classification (germline): Uncertain significance (1 of 4 stars; one submission).

Conditions:
Charcot-Marie-Tooth disease axonal type 2O. Also called: Charcot-Marie-Tooth disease, axonal, type 20; CHARCOT-MARIE-TOOTH NEUROPATHY, AXONAL, TYPE 2O; CHARCOT-MARIE-TOOTH DISEASE, AXONAL, AUTOSOMAL DOMINANT, TYPE 2O; Charcot-Marie-Tooth Neuropathy Type 2O. Identifiers: Orphanet 284232, MedGen C3280220, MONDO:0013644, OMIM 614228.

Submission:

Labcorp Genetics (formerly Invitae), Labcorp
Classification: Uncertain significance for Charcot-Marie-Tooth disease axonal type 2O. Last evaluated: 2023-10-29. Review status: criteria provided, single submitter. Criteria: Invitae Variant Classification Sherloc (09022015). Collection method: clinical testing. Allele origin: germline.
Comment: This sequence change replaces tyrosine, which is neutral and polar, with histidine, which is basic and polar, at codon 4636 of the DYNC1H1 protein (p.Tyr4636His). This variant is not present in population databases (gnomAD no frequency). This variant has not been reported in the literature in individuals affected with DYNC1H1-related conditions. Advanced modeling of protein sequence and biophysical properties (such as structural, functional, and spatial information, amino acid conservation, physicochemical variation, residue mobility, and thermodynamic stability) performed at Invitae indicates that this missense variant is not expected to disrupt DYNC1H1 protein function with a negative predictive value of 95%. In summary, the available evidence is currently insufficient to determine the role of this variant in disease. Therefore, it has been classified as a Variant of Uncertain Significance.

NM_001376.5(DYNC1H1):c.13906T>C (p.Tyr4636His)

Gene: DYNC1H1 (dynein cytoplasmic 1 heavy chain 1; plus strand). Cytogenetic location: 14q32.31.
Variant type: single nucleotide variant.
Coding change: c.13906T>C on transcript NM_001376.5 (MANE Select); coding-DNA position 13906, T replaced by C.
Protein change: p.Tyr4636His; replaces tyrosine 4636 with histidine.
Molecular consequence: missense variant.
Genome position (GRCh38, 1-based): chr14:102,050,528, T>C. VCF-style: chr14-102050528-T-C. GRCh37 (hg19) VCF-style: chr14-102516865-T-C.
Other names: short protein forms Y4636H.
Identifiers: ClinVar variation 2993806 (VCV002993806.3), dbSNP rs2503893728, ClinGen allele CA391052631.